The following is an entry in ClinVar:

NM_022455.5(NSD1):c.1399G>C (p.Glu467Gln)

Gene: NSD1 (nuclear receptor binding SET domain protein 1; plus strand). Cytogenetic location: 5q35.3.
Variant type: single nucleotide variant.
Coding change: c.1399G>C on transcript NM_022455.5 (MANE Select); coding-DNA position 1399, G replaced by C.
Protein change: p.Glu467Gln; replaces glutamic acid 467 with glutamine.
Molecular consequence: missense variant.
Genome position (GRCh38, 1-based): chr5:177,209,798, G>C. VCF-style: chr5-177209798-G-C. GRCh37 (hg19) VCF-style: chr5-176636799-G-C.
Other names: c.526G>C, p.Glu176Gln (NM_001365684.2, NM_001409306.1, NM_001409307.1 and 3 more transcripts); c.1399G>C, p.Glu467Gln (NM_001409301.1, NM_001409302.1, NM_001409303.1); c.979G>C, p.Glu327Gln (NM_001409304.1); c.646G>C, p.Glu216Gln (NM_001409305.1); short protein forms E176Q, E216Q, E327Q, E467Q.
Identifiers: ClinVar variation 3340989 (VCV003340989.3).
Genomic context (GRCh38, chr5:177,209,798, plus strand): 5'-ATCAAGTTGGACAGTGAAGAAGATATGCCATTTGAAGACTGCACAAATGATCCTGAGTCA[G>C]AACATGACCTGTTGCTTAATGGCTGTTTGAAATCACTGGCTTTTGATTCTGAACATTCTG-3'
Protein context (NP_071900.2, residues 457-477): FEDCTNDPES[Glu467Gln]HDLLLNGCLK

ClinVar aggregate classification (germline): Uncertain significance. Review status: criteria provided, multiple submitters, no conflicts (2 of 4 stars). 3 submissions from 3 submitters: Uncertain significance (3). Last evaluated 2025-04-03.

Conditions:
Inborn genetic diseases. Identifiers: MedGen C0950123, MeSH D030342.
Sotos syndrome (SOTOS). Also called: SOTOS SYNDROME 1; CHROMOSOME 5q35 DELETION SYNDROME; CEREBRAL GIGANTISM; Sotos' syndrome; Distinctive facial appearance, overgrowth in childhood, and learning disabilities or delayed development. Identifiers: Orphanet 821, MedGen C0175695, MONDO:0019349, OMIM 117550.

Submissions (3):

Ambry Genetics
Classification: Uncertain significance for Inborn genetic diseases. Last evaluated: 2025-04-03. Review status: criteria provided, single submitter. Criteria: Ambry Variant Classification Scheme 2023. Collection method: clinical testing. Allele origin: germline.

Fulgent Genetics
Classification: Uncertain significance for Sotos syndrome. Last evaluated: 2024-02-29. Review status: criteria provided, single submitter. Criteria: ACMG Guidelines, 2015. Collection method: clinical testing. Allele origin: germline.

GeneDx
Classification: Uncertain significance. Last evaluated: 2024-01-30. Review status: criteria provided, single submitter. Criteria: GeneDx Variant Classification Process June 2021. Collection method: clinical testing. Allele origin: germline. Affected: yes.
Comment: Not observed at significant frequency in large population cohorts (gnomAD); In silico analysis supports that this missense variant does not alter protein structure/function; Has not been previously published as pathogenic or benign to our knowledge